The following is an entry in ClinVar:

NM_001145809.2(MYH14):c.169T>C (p.Trp57Arg)

Gene: MYH14 (myosin heavy chain 14; plus strand). Cytogenetic location: 19q13.33.
Variant type: single nucleotide variant.
Coding change: c.169T>C on transcript NM_001145809.2 (MANE Select); coding-DNA position 169, T replaced by C.
Protein change: p.Trp57Arg; replaces tryptophan 57 with arginine.
Molecular consequence: missense variant.
Genome position (GRCh38, 1-based): chr19:50,210,534, T>C. VCF-style: chr19-50210534-T-C. GRCh37 (hg19) VCF-style: chr19-50713791-T-C.
Other names: c.169T>C, p.Trp57Arg (NM_001077186.2, NM_024729.4); short protein forms W57R.
Identifiers: ClinVar variation 2507083 (VCV002507083.1), dbSNP rs2514276410, ClinGen allele CA406945990.

ClinVar aggregate classification (germline): Uncertain significance (1 of 4 stars; one submission).

Submission:

GeneDx
Classification: Uncertain significance. Last evaluated: 2023-01-03. Review status: criteria provided, single submitter. Criteria: GeneDx Variant Classification Process June 2021. Collection method: clinical testing. Allele origin: germline. Affected: yes.
Comment: Not observed at significant frequency in large population cohorts (gnomAD); In silico analysis supports that this missense variant has a deleterious effect on protein structure/function; Has not been previously published as pathogenic or benign to our knowledge